The following is an entry in ClinVar:

ClinVar aggregate classification (germline): Uncertain significance (1 of 4 stars; one submission).

Submission:

Labcorp Genetics (formerly Invitae), Labcorp
Classification: Uncertain significance. Last evaluated: 2024-10-16. Review status: criteria provided, single submitter. Criteria: Invitae Variant Classification Sherloc (09022015). Collection method: clinical testing. Allele origin: germline.
Comment: This sequence change replaces methionine, which is neutral and non-polar, with valine, which is neutral and non-polar, at codon 473 of the ARHGEF18 protein (p.Met473Val). This variant is not present in population databases (gnomAD no frequency). This variant has not been reported in the literature in individuals affected with ARHGEF18-related conditions. ClinVar contains an entry for this variant (Variation ID: 849492). An algorithm developed to predict the effect of missense changes on protein structure and function outputs the following: PolyPhen-2: "Benign". The valine amino acid residue is found in multiple mammalian species, which suggests that this missense change does not adversely affect protein function. In summary, the available evidence is currently insufficient to determine the role of this variant in disease. Therefore, it has been classified as a Variant of Uncertain Significance.

NM_001367823.1(ARHGEF18):c.1981A>G (p.Met661Val)

Gene: ARHGEF18 (Rho/Rac guanine nucleotide exchange factor 18; plus strand). Cytogenetic location: 19p13.2.
Variant type: single nucleotide variant.
Coding change: c.1981A>G on transcript NM_001367823.1 (MANE Select); coding-DNA position 1981, A replaced by G.
Protein change: p.Met661Val; replaces methionine 661 with valine.
Molecular consequence: missense variant.
Genome position (GRCh38, 1-based): chr19:7,453,592, A>G. VCF-style: chr19-7453592-A-G. GRCh37 (hg19) VCF-style: chr19-7518478-A-G.
Other names: c.1255A>G, p.Met419Val (NM_001130955.2); c.943A>G, p.Met315Val (NM_001367824.1, NM_015318.4); short protein forms M315V, M661V, M419V.
Identifiers: ClinVar variation 849492 (VCV000849492.7), dbSNP rs1975639226, ClinGen allele CA403112578.